The following is an entry in ClinVar:

ClinVar aggregate classification (germline): Likely benign. Review status: criteria provided, multiple submitters, no conflicts (2 of 4 stars). 2 submissions from 2 submitters: Likely benign (2). Last evaluated 2026-05-25.

Conditions:
LRP2-related disorder. Also called: LRP2-related condition.

Allele frequency attached by ClinVar (database versions not stated): gnomAD exomes below 0.00001; TOPMed 0.00001.
gnomAD v4.1: 2 of 1,614,198 alleles (0.00012%); highest among the groups gnomAD compares: Non-Finnish European, 0.00017%; no homozygotes.

Submissions (2):

PreventionGenetics, part of Exact Sciences
Classification: Likely benign for LRP2-related condition. Last evaluated: 2026-05-25. Review status: criteria provided, single submitter. Criteria: ACMG Guidelines, 2015. Collection method: clinical testing. Allele origin: germline.
Comment: This variant is classified as likely benign based on ACMG/AMP sequence variant interpretation guidelines (Richards et al. 2015 PMID: 25741868, with internal and published modifications).

Labcorp Genetics (formerly Invitae), Labcorp
Classification: Likely benign. Last evaluated: 2023-08-11. Review status: criteria provided, single submitter. Criteria: Invitae Variant Classification Sherloc (09022015). Collection method: clinical testing. Allele origin: germline.

NM_004525.3(LRP2):c.8130G>A (p.Gly2710=)

Gene: LRP2 (LDL receptor related protein 2; minus strand). Cytogenetic location: 2q31.1.
Variant type: single nucleotide variant.
Coding change: c.8130G>A on transcript NM_004525.3 (MANE Select); coding-DNA position 8130, G replaced by A.
Protein change: p.Gly2710=; no amino-acid change (glycine 2710 retained).
Molecular consequence: synonymous variant.
Genome position (GRCh38, 1-based): chr2:169,202,835, C>T on the plus strand (G>A on the coding strand, the complement: LRP2 is on the minus strand). VCF-style: chr2-169202835-C-T. GRCh37 (hg19) VCF-style: chr2-170059345-C-T.
Other names: c.8130G>A (NM_004525.2).
Identifiers: ClinVar variation 2854975 (VCV002854975.4), dbSNP rs1347723790, ClinGen allele CA429933239.